The following is an entry in ClinVar:

NM_005422.4(TECTA):c.5305G>T (p.Asp1769Tyr)

Genes: TBCEL-TECTA (TBCEL-TECTA readthrough; plus strand), TECTA (tectorin alpha; plus strand). Cytogenetic location: 11q23.3.
Variant type: single nucleotide variant.
Coding change: c.5305G>T on transcript NM_005422.4 (MANE Select); coding-DNA position 5305, G replaced by T.
Protein change: p.Asp1769Tyr; replaces aspartic acid 1769 with tyrosine.
Molecular consequence: missense variant.
Genome position (GRCh38, 1-based): chr11:121,165,305, G>T. VCF-style: chr11-121165305-G-T. GRCh37 (hg19) VCF-style: chr11-121036014-G-T.
Other names: c.6247G>T, p.Asp2083Tyr (NM_001378761.1); short protein forms D1769Y, D2083Y.
Identifiers: ClinVar variation 3239449 (VCV003239449.19), dbSNP rs1305492258.

ClinVar aggregate classification (germline): Uncertain significance (1 of 4 stars; one submission).

gnomAD v4.1: 1 of 1,608,250 alleles (0.000062%); no homozygotes.

Submission:

CeGaT Center for Human Genetics Tuebingen
Classification: Uncertain significance. Last evaluated: 2024-05-01. Review status: criteria provided, single submitter. Criteria: CeGaT Center For Human Genetics Tuebingen Variant Classification Criteria Version 2. Collection method: clinical testing. Allele origin: germline. Affected: yes. Observed: 1 variant allele.
Comment: TECTA: PM2